The following is an entry in ClinVar:

ClinVar aggregate classification (germline): Uncertain significance. Review status: criteria provided, multiple submitters, no conflicts (2 of 4 stars). 2 submissions from 2 submitters: Uncertain significance (2). Last evaluated 2022-05-14.

Conditions:
Hereditary cancer-predisposing syndrome. Also called: Hereditary Cancer Syndrome; Hereditary neoplastic syndrome; Neoplastic Syndromes, Hereditary; Tumor predisposition. Identifiers: Orphanet 140162, MedGen C0027672, MeSH D009386, MONDO:0015356.
Familial adenomatous polyposis 1 (FAP1). Also called: FAMILIAL ADENOMATOUS POLYPOSIS 1, ATTENUATED; POLYPOSIS, ADENOMATOUS INTESTINAL. Identifiers: MedGen C2713442, MONDO:0021056, OMIM 175100. Disease mechanism: loss of function.

Submissions (2):

Labcorp Genetics (formerly Invitae), Labcorp
Classification: Uncertain significance for Familial adenomatous polyposis 1. Last evaluated: 2022-05-14. Review status: criteria provided, single submitter. Criteria: Invitae Variant Classification Sherloc (09022015). Collection method: clinical testing. Allele origin: germline.
Comment: Algorithms developed to predict the effect of missense changes on protein structure and function are either unavailable or do not agree on the potential impact of this missense change (SIFT: "Deleterious"; PolyPhen-2: "Probably Damaging"; Align-GVGD: "Class C15"). This variant has not been reported in the literature in individuals affected with APC-related conditions. This variant is not present in population databases (gnomAD no frequency). This sequence change replaces aspartic acid, which is acidic and polar, with asparagine, which is neutral and polar, at codon 1974 of the APC protein (p.Asp1974Asn). In summary, the available evidence is currently insufficient to determine the role of this variant in disease. Therefore, it has been classified as a Variant of Uncertain Significance.

Ambry Genetics
Classification: Uncertain significance for Hereditary cancer-predisposing syndrome. Last evaluated: 2020-07-31. Review status: criteria provided, single submitter. Criteria: Ambry Variant Classification Scheme 2023. Collection method: clinical testing. Allele origin: germline.
Comment: The p.D1974N variant (also known as c.5920G>A), located in coding exon 15 of the APC gene, results from a G to A substitution at nucleotide position 5920. The aspartic acid at codon 1974 is replaced by asparagine, an amino acid with highly similar properties. This amino acid position is highly conserved in available vertebrate species. In addition, in silico predictors for this gene do not accurately predict pathogenicity. Since supporting evidence is limited at this time, the clinical significance of this alteration remains unclear.

NM_000038.6(APC):c.5920G>A (p.Asp1974Asn)

Gene: APC (APC regulator of Wnt signaling pathway; plus strand). Cytogenetic location: 5q22.2.
Variant type: single nucleotide variant.
Coding change: c.5920G>A on transcript NM_000038.6 (MANE Select); coding-DNA position 5920, G replaced by A.
Protein change: p.Asp1974Asn; replaces aspartic acid 1974 with asparagine.
Molecular consequence: missense variant.
Genome position (GRCh38, 1-based): chr5:112,841,514, G>A. VCF-style: chr5-112841514-G-A. GRCh37 (hg19) VCF-style: chr5-112177211-G-A.
Other names: c.5920G>A, p.Asp1974Asn (NM_001127510.3, NM_001354895.2, NM_001407450.1); c.5866G>A, p.Asp1956Asn (NM_001127511.3); c.5974G>A, p.Asp1992Asn (NM_001354896.2, NM_001407447.1, NM_001407448.1 and 1 more transcripts); c.5950G>A, p.Asp1984Asn (NM_001354897.2); c.5845G>A, p.Asp1949Asn (NM_001354898.2); c.5836G>A, p.Asp1946Asn (NM_001354899.2); c.5797G>A, p.Asp1933Asn (NM_001354900.2); c.5743G>A, p.Asp1915Asn (NM_001354901.2, NM_001407453.1); and 11 more; short protein forms D1691N, D1845N, D1883N, D1915N, D1967N, D1974N, D1984N, D2002N.
Identifiers: ClinVar variation 1750514 (VCV001750514.7), dbSNP rs2149952567, ClinGen allele CA16034280.
Genomic context (GRCh38, chr5:112,841,514, plus strand): 5'-TTTGCTATTGAAAATACTCCGGTTTGCTTTTCTCATAATTCCTCTCTGAGTTCTCTCAGT[G>A]ACATTGACCAAGAAAACAACAATAAAGAAAATGAACCTATCAAAGAGACTGAGCCCCCTG-3'
Protein context (NP_000029.2, residues 1964-1984): SHNSSLSSLS[Asp1974Asn]IDQENNNKEN